The following is an entry in ClinVar:

NM_001365999.1(SZT2):c.6059C>T (p.Ala2020Val)

Gene: SZT2 (SZT2 subunit of KICSTOR complex; plus strand). Cytogenetic location: 1p34.2.
Variant type: single nucleotide variant.
Coding change: c.6059C>T on transcript NM_001365999.1 (MANE Select); coding-DNA position 6059, C replaced by T.
Protein change: p.Ala2020Val; replaces alanine 2020 with valine.
Molecular consequence: missense variant.
Genome position (GRCh38, 1-based): chr1:43,437,195, C>T. VCF-style: chr1-43437195-C-T. GRCh37 (hg19) VCF-style: chr1-43902866-C-T.
Other names: c.5888C>T, p.Ala1963Val (NM_015284.4); short protein forms A1963V, A2020V.
Identifiers: ClinVar variation 1021007 (VCV001021007.12), dbSNP rs143602595, ClinGen allele CA809790.

ClinVar aggregate classification (germline): Uncertain significance. Review status: criteria provided, multiple submitters, no conflicts (2 of 4 stars). 5 submissions from 5 submitters: Uncertain significance (5). Last evaluated 2024-04-04.

Conditions:
Developmental and epileptic encephalopathy, 18 (DEE18). Also called: Early infantile epileptic encephalopathy 18. Identifiers: Orphanet 369894, MedGen C3809624, MONDO:0014201, OMIM 615476.
Inborn genetic diseases. Identifiers: MedGen C0950123, MeSH D030342.

Allele frequency attached by ClinVar (database versions not stated): gnomAD 0.00004 and 0.00005; ExAC 0.00007; gnomAD exomes 0.00008 and 0.00011; TOPMed 0.00008; ESP Exome Variant Server 0.00015; 1000 Genomes Project 30x 0.00016; 1000 Genomes Project 0.00020.
gnomAD v4.1: 164 of 1,614,184 alleles (0.01%); highest among the groups gnomAD compares: Admixed American, 0.015%; no homozygotes.

Submissions (5):

Women's Health and Genetics/Laboratory Corporation of America, LabCorp
Classification: Uncertain significance. Last evaluated: 2024-04-04. Review status: criteria provided, single submitter. Criteria: LabCorp Variant Classification Summary - May 2015. Collection method: clinical testing. Allele origin: germline.
Comment: Variant summary: SZT2 c.5888C>T (p.Ala1963Val) results in a non-conservative amino acid change in the encoded protein sequence. Three of four in-silico tools predict a benign effect of the variant on protein function. The variant allele was found at a frequency of 8.4e-05 in 251228 control chromosomes. To our knowledge, no occurrence of c.5888C>T in individuals affected with Early Infantile Epileptic Encephalopathy 18 and no experimental evidence demonstrating its impact on protein function have been reported. ClinVar contains an entry for this variant (Variation ID: 1021007). Based on the evidence outlined above, the variant was classified as uncertain significance.

Ambry Genetics
Classification: Uncertain significance for Inborn genetic diseases. Last evaluated: 2023-10-05. Review status: criteria provided, single submitter. Criteria: Ambry Variant Classification Scheme 2023. Collection method: clinical testing. Allele origin: germline.

Genome-Nilou Lab
Classification: Uncertain significance for Developmental and epileptic encephalopathy, 18. Last evaluated: 2023-04-11. Review status: criteria provided, single submitter. Criteria: ACMG Guidelines, 2015. Collection method: clinical testing. Allele origin: germline. Affected: no.

Labcorp Genetics (formerly Invitae), Labcorp
Classification: Uncertain significance. Last evaluated: 2022-08-31. Review status: criteria provided, single submitter. Criteria: Invitae Variant Classification Sherloc (09022015). Collection method: clinical testing. Allele origin: germline.
Comment: This sequence change replaces alanine, which is neutral and non-polar, with valine, which is neutral and non-polar, at codon 1963 of the SZT2 protein (p.Ala1963Val). This variant is present in population databases (rs143602595, gnomAD 0.02%). This variant has not been reported in the literature in individuals affected with SZT2-related conditions. ClinVar contains an entry for this variant (Variation ID: 1021007). Algorithms developed to predict the effect of missense changes on protein structure and function (SIFT, PolyPhen-2, Align-GVGD) all suggest that this variant is likely to be tolerated. In summary, the available evidence is currently insufficient to determine the role of this variant in disease. Therefore, it has been classified as a Variant of Uncertain Significance.

GeneDx
Classification: Uncertain significance. Last evaluated: 2022-06-06. Review status: criteria provided, single submitter. Criteria: GeneDx Variant Classification Process June 2021. Collection method: clinical testing. Allele origin: germline. Affected: yes.
Comment: In silico analysis supports that this missense variant does not alter protein structure/function; Has not been previously published as pathogenic or benign to our knowledge